The following is an entry in ClinVar:

NM_001206998.2(ZNRF3):c.1299C>T (p.Cys433=)

Gene: ZNRF3 (zinc and ring finger 3; plus strand). Cytogenetic location: 22q12.1.
Variant type: single nucleotide variant.
Coding change: c.1299C>T on transcript NM_001206998.2 (MANE Select); coding-DNA position 1299, C replaced by T.
Protein change: p.Cys433=; no amino-acid change (cysteine 433 retained).
Molecular consequence: synonymous variant.
Genome position (GRCh38, 1-based): chr22:29,049,480, C>T. VCF-style: chr22-29049480-C-T. GRCh37 (hg19) VCF-style: chr22-29445468-C-T.
Other names: c.999C>T, p.Cys333= (NM_032173.4).
Identifiers: ClinVar variation 2653040 (VCV002653040.24), dbSNP rs34671303, ClinGen allele CA10169228.
Genomic context (GRCh38, chr22:29,049,480, plus strand): 5'-CGCCTACATCCGCAGCTACCCACCCCTCCACCTGGACCACAGCCTGGCCGCTCACCGCTG[C>T]GGCCTGGAGCACCGGGCCTACTCCCCAGCCCACCCCTTCCGCAGGCCCAAGTTGAGTGGC-3'
Protein context (NP_001193927.1, residues 423-443): HLDHSLAAHR[Cys433=]GLEHRAYSPA

ClinVar aggregate classification (germline): Benign (1 of 4 stars; one submission).

Allele frequency attached by ClinVar (database versions not stated): 1000 Genomes Project 30x 0.00359; 1000 Genomes Project 0.00379; gnomAD 0.00719; ExAC 0.00739; TOPMed 0.00773; ESP Exome Variant Server 0.00801; gnomAD exomes 0.01041.
gnomAD v4.1: 16,169 of 1,604,732 alleles (1%); highest among the groups gnomAD compares: Middle Eastern, 1.3%; 87 homozygotes.

Submission:

CeGaT Center for Human Genetics Tuebingen
Classification: Benign. Last evaluated: 2026-09-01. Review status: criteria provided, single submitter. Criteria: CeGaT Center For Human Genetics Tuebingen Variant Classification Criteria Version 2. Collection method: clinical testing. Allele origin: germline. Affected: yes. Observed: 4 variant alleles.
Comment: ZNRF3: BP4, BP7, BS1, BS2